The following is an entry in ClinVar:

ClinVar aggregate classification (germline): Uncertain significance (1 of 4 stars; one submission).

Submission:

GeneDx
Classification: Uncertain significance. Last evaluated: 2026-03-18. Review status: criteria provided, single submitter. Criteria: GeneDx Variant Classification Process June 2021. Collection method: clinical testing. Allele origin: germline.
Comment: Not observed at significant frequency in large population cohorts (gnomAD); In silico analysis supports that this missense variant has a deleterious effect on protein structure/function; Has not been previously published as pathogenic or benign to our knowledge

NM_138295.5(PKD1L1):c.5861C>G (p.Thr1954Arg)

Gene: PKD1L1 (polycystin 1 like 1, transient receptor potential channel interacting; minus strand). Cytogenetic location: 7p12.3.
Variant type: single nucleotide variant.
Coding change: c.5861C>G on transcript NM_138295.5 (MANE Select); coding-DNA position 5861, C replaced by G.
Protein change: p.Thr1954Arg; replaces threonine 1954 with arginine.
Molecular consequence: missense variant.
Genome position (GRCh38, 1-based): chr7:47,837,003, G>C on the plus strand (C>G on the coding strand, the complement: PKD1L1 is on the minus strand). VCF-style: chr7-47837003-G-C. GRCh37 (hg19) VCF-style: chr7-47876601-G-C.
Other names: short protein forms T1954R.
Identifiers: ClinVar variation 5009394 (VCV005009394.1).
Genomic context (GRCh38, chr7:47,837,003, plus strand): 5'-ACCAGGGCAGTGAGACACGCGTAGACGCACAGCAGGGAGAAGGACACGGTGAGGCGCGGC[G>C]TGTGCAGGTAGCGGCTGGAGGAGGGCCTGCTGTACACCGACAGCCAGACATGGAAATCCT-3'
Protein context (NP_612152.1, residues 1944-1964): SRPSSSRYLH[Thr1954Arg]PRLTVSFSLL